The following is an entry in ClinVar:

NM_007294.4(BRCA1):c.213G>T (p.Arg71Ser)

Gene: BRCA1 (BRCA1 DNA repair associated; minus strand). Cytogenetic location: 17q21.31.
Variant type: single nucleotide variant.
Coding change: c.213G>T on transcript NM_007294.4 (MANE Select); coding-DNA position 213, G replaced by T.
Protein change: p.Arg71Ser; replaces arginine 71 with serine.
Molecular consequence: missense variant. On other transcripts: non-coding transcript variant (1).
Genome position (GRCh38, 1-based): chr17:43,104,956, C>A on the plus strand (G>T on the coding strand, the complement: BRCA1 is on the minus strand). VCF-style: chr17-43104956-C-A. GRCh37 (hg19) VCF-style: chr17-41256973-C-A.
Other names: c.213G>T, p.Arg71Ser (NM_001408445.1, NM_001408446.1, NM_001408447.1 and 168 more transcripts); c.81G>T, p.Trp27Cys (NM_001408451.1); c.72G>T, p.Arg24Ser (NM_001408452.1, NM_001408453.1, NM_001408454.1 and 99 more transcripts); c.135G>T, p.Lys45Asn (NM_001408474.1, NM_001408475.1, NM_001408476.1 and 21 more transcripts); c.3G>T, p.Met1Ile (NM_001408478.1, NM_001408479.1, NM_001408480.1 and 58 more transcripts); c.-169G>T (NM_001408510.1, NM_001408512.1, NM_001407959.1 and 4 more transcripts); short protein forms R71S, R24S, W27C, K45N, M1I.
Identifiers: ClinVar variation 867971 (VCV000867971.4), dbSNP rs1441240938, ClinGen allele CA10601736.
Genomic context (GRCh38, chr17:43,104,956, plus strand): 5'-ACAAATGATTTTCAATAGCTCTTCAACAAGTTGACTAAATCTCGTACTTTCTTGTAGGCT[C>A]CTGAAATTAAATTGTTTGAGAAACACACTCAGCAAGTGATTATCAACCTTTTAAGGACAC-3'
Protein context (NP_009225.1, residues 61-81): CPLCKNDITK[Arg71Ser]SLQESTRFSQ

ClinVar aggregate classification (germline): Uncertain significance (1 of 4 stars; one submission).

Allele frequency attached by ClinVar (database versions not stated): gnomAD exomes below 0.00001.
gnomAD v4.1: 1 of 1,612,578 alleles (0.000062%); highest among the groups gnomAD compares: Non-Finnish European, 0.000085%; no homozygotes.

Submissions (2):

Women's Health and Genetics/Laboratory Corporation of America, LabCorp
Classification: Uncertain significance. Last evaluated: 2021-08-09. Review status: criteria provided, single submitter. Criteria: LabCorp Variant Classification Summary - May 2015. Collection method: clinical testing. Allele origin: germline.
Comment: Variant summary: BRCA1 c.213G>T (p.Arg71Ser) results in a non-conservative amino acid change in the encoded protein sequence, and impacts the first amino acid of exon 5. Four of five in-silico tools predict a damaging effect of the variant on protein function. Several computational tools predict a significant impact on normal splicing: Two predict the variant abolishes a 3' acceptor site. The variant was absent in 251106 control chromosomes. The available data on variant occurrences in the general population are insufficient to allow any conclusion about variant significance. c.213G>T has been reported in the literature in individuals affected with breast cancer as well as controls in a Japanese cohort (Momozawa_2018). This report does not provide unequivocal conclusions about association of the variant with Hereditary Breast And Ovarian Cancer Syndrome. The variant was reported to be non-functional based on cell viability assay via saturation genome editing (Findlay_2014). No clinical diagnostic laboratories have submitted clinical-significance assessments for this variant to ClinVar after 2014. Based on the evidence outlined above, the variant was classified as uncertain significance.

Brotman Baty Institute, University of Washington
No classification provided (evidence only). Condition: Breast-ovarian cancer, familial 1. Review status: no classification provided. Collection method: in vitro. Allele origin: not applicable. Functional consequence: functionally_abnormal. Not counted in ClinVar's aggregate classification.
ClinVar note: "not provided" was previously submitted as the classification for the variant. However, the classification appeared to be based only on an observation of functional data so it was converted to no classification on 2025-07-30.

Literature cited by the submitters: PubMed 30209399 (cited by Women's Health and Genetics/Laboratory Corporation of America, LabCorp); PubMed 30287823 (cited by Women's Health and Genetics/Laboratory Corporation of America, LabCorp); PubMed 33428613 (cited by Women's Health and Genetics/Laboratory Corporation of America, LabCorp).